The following is an entry in ClinVar:

ClinVar aggregate classification (germline): Uncertain significance. Review status: criteria provided, multiple submitters, no conflicts (2 of 4 stars). 2 submissions from 2 submitters: Uncertain significance (2). Last evaluated 2025-07-25.

Submissions (2):

GeneDx
Classification: Uncertain significance. Last evaluated: 2025-07-25. Review status: criteria provided, single submitter. Criteria: GeneDx Variant Classification Process June 2021. Collection method: clinical testing. Allele origin: germline. Affected: yes.
Comment: Not observed at significant frequency in large population cohorts (gnomAD); In silico analysis supports that this missense variant has a deleterious effect on protein structure/function; Has not been previously published as pathogenic or benign to our knowledge

Labcorp Genetics (formerly Invitae), Labcorp
Classification: Uncertain significance. Last evaluated: 2023-06-03. Review status: criteria provided, single submitter. Criteria: Invitae Variant Classification Sherloc (09022015). Collection method: clinical testing. Allele origin: germline.
Comment: In summary, the available evidence is currently insufficient to determine the role of this variant in disease. Therefore, it has been classified as a Variant of Uncertain Significance. Advanced modeling of protein sequence and biophysical properties (such as structural, functional, and spatial information, amino acid conservation, physicochemical variation, residue mobility, and thermodynamic stability) has been performed at Invitae for this missense variant, however the output from this modeling did not meet the statistical confidence thresholds required to predict the impact of this variant on SCN3A protein function. ClinVar contains an entry for this variant (Variation ID: 1720670). This missense change has been observed in individual(s) with clinical features of SCN3A-related conditions (Invitae). This variant is not present in population databases (gnomAD no frequency). This sequence change replaces glycine, which is neutral and non-polar, with glutamic acid, which is acidic and polar, at codon 1014 of the SCN3A protein (p.Gly1014Glu).

NM_006922.4(SCN3A):c.3041G>A (p.Gly1014Glu)

Gene: SCN3A (sodium voltage-gated channel alpha subunit 3; minus strand). Cytogenetic location: 2q24.3.
Variant type: single nucleotide variant.
Coding change: c.3041G>A on transcript NM_006922.4 (MANE Select); coding-DNA position 3041, G replaced by A.
Protein change: p.Gly1014Glu; replaces glycine 1014 with glutamic acid.
Molecular consequence: missense variant.
Genome position (GRCh38, 1-based): chr2:165,127,983, C>T on the plus strand (G>A on the coding strand, the complement: SCN3A is on the minus strand). VCF-style: chr2-165127983-C-T. GRCh37 (hg19) VCF-style: chr2-165984493-C-T.
Other names: c.2894G>A, p.Gly965Glu (NM_001081676.2, NM_001081677.2); c.3041G>A (NM_006922.3); short protein forms G1014E, G965E.
Identifiers: ClinVar variation 1720670 (VCV001720670.6), dbSNP rs2468236811, ClinGen allele CA349041267.